The following is an entry in ClinVar:

NM_001352702.2(PTK2):c.*705T>A

Gene: PTK2 (protein tyrosine kinase 2; minus strand). Cytogenetic location: 8q24.3.
Variant type: single nucleotide variant.
Coding change: c.*705T>A on transcript NM_001352702.2 (MANE Select); 705 bases downstream of the stop codon, T replaced by A.
Molecular consequence: 3 prime UTR variant. On other transcripts: non-coding transcript variant (7).
Genome position (GRCh38, 1-based): chr8:140,658,761, A>T on the plus strand (T>A on the coding strand, the complement: PTK2 is on the minus strand). VCF-style: chr8-140658761-A-T. GRCh37 (hg19) VCF-style: chr8-141668860-A-T.
Other names: c.*705T>A (NM_001199649.2, NM_001316342.2, NM_001352694.2 and 123 more transcripts).
Identifiers: ClinVar variation 1226102 (VCV001226102.4), dbSNP rs7460, ClinGen allele CA15544038.

ClinVar aggregate classification (germline): Benign. Review status: criteria provided, multiple submitters, no conflicts (2 of 4 stars). 2 submissions from 2 submitters: Benign (2). Last evaluated 2020-02-18.

Allele frequency attached by ClinVar (database versions not stated): 1000 Genomes Project 30x 0.35384; 1000 Genomes Project 0.35823; TOPMed 0.37933; gnomAD exomes 0.45969.
gnomAD v4.1: 90,937 of 221,350 alleles (41%); highest among the groups gnomAD compares: Non-Finnish European, 50%; 20,514 homozygotes.

Submissions (2):

GeneDx
Classification: Benign. Last evaluated: 2020-02-18. Review status: criteria provided, single submitter. Criteria: GeneDx Variant Classification Process June 2021. Collection method: clinical testing. Allele origin: germline. Affected: yes.
Comment: This variant is associated with the following publications: (PMID: 24930376)

Breakthrough Genomics
Classification: Benign. Review status: criteria provided, single submitter. Criteria: ACMG Guidelines, 2015. Collection method: not provided. Allele origin: germline. Inheritance: Unknown mechanism. Affected: yes.